The following is an entry in ClinVar:

NM_004336.5(BUB1):c.1802C>T (p.Thr601Ile)

Gene: BUB1 (BUB1 mitotic checkpoint serine/threonine kinase; minus strand). Cytogenetic location: 2q13.
Variant type: single nucleotide variant.
Coding change: c.1802C>T on transcript NM_004336.5 (MANE Select); coding-DNA position 1802, C replaced by T.
Protein change: p.Thr601Ile; replaces threonine 601 with isoleucine.
Molecular consequence: missense variant.
Genome position (GRCh38, 1-based): chr2:110,655,813, G>A on the plus strand (C>T on the coding strand, the complement: BUB1 is on the minus strand). VCF-style: chr2-110655813-G-A. GRCh37 (hg19) VCF-style: chr2-111413390-G-A.
Other names: c.1742C>T, p.Thr581Ile (NM_001278616.2); c.1802C>T, p.Thr601Ile (NM_001278617.2); short protein forms T581I, T601I.
Identifiers: ClinVar variation 2586146 (VCV002586146.2), dbSNP rs2468001894, ClinGen allele CA348210758.

ClinVar aggregate classification (germline): Uncertain significance (1 of 4 stars; one submission).

Submission:

Ambry Genetics
Classification: Uncertain significance. Last evaluated: 2023-07-03. Review status: criteria provided, single submitter. Criteria: Ambry Variant Classification Scheme 2023. Collection method: clinical testing. Allele origin: germline.
Comment: The p.T601I variant (also known as c.1802C>T), located in coding exon 16 of the BUB1 gene, results from a C to T substitution at nucleotide position 1802. The threonine at codon 601 is replaced by isoleucine, an amino acid with similar properties. This amino acid position is conserved. In addition, this alteration is predicted to be tolerated by in silico analysis. Since supporting evidence is limited at this time, the clinical significance of this alteration remains unclear.